The following is an entry in ClinVar:

NM_052947.4(ALPK2):c.5030C>T (p.Thr1677Ile)

Genes: ALPK2 (alpha kinase 2; minus strand), LOC130062577 (ATAC-STARR-seq lymphoblastoid active region 13389; plus strand). Cytogenetic location: 18q21.31.
Variant type: single nucleotide variant.
Coding change: c.5030C>T on transcript NM_052947.4 (MANE Select); coding-DNA position 5030, C replaced by T.
Protein change: p.Thr1677Ile; replaces threonine 1677 with isoleucine.
Molecular consequence: missense variant.
Genome position (GRCh38, 1-based): chr18:58,535,157, G>A on the plus strand (C>T on the coding strand, the complement: ALPK2 is on the minus strand). VCF-style: chr18-58535157-G-A. GRCh37 (hg19) VCF-style: chr18-56202389-G-A.
Other names: short protein forms T1677I.
Identifiers: ClinVar variation 1744899 (VCV001744899.2), dbSNP rs1285986305, ClinGen allele CA402558773.

ClinVar aggregate classification (germline): Uncertain significance (1 of 4 stars; one submission).

Allele frequency attached by ClinVar (database versions not stated): gnomAD exomes below 0.00001.
gnomAD v4.1: 1 of 1,614,038 alleles (0.000062%); highest among the groups gnomAD compares: South Asian, 0.0011%; no homozygotes.

Submission:

Ambry Genetics
Classification: Uncertain significance. Last evaluated: 2022-05-01. Review status: criteria provided, single submitter. Criteria: Ambry Variant Classification Scheme 2023. Collection method: clinical testing. Allele origin: germline.
Comment: The p.T1677I variant (also known as c.5030C>T), located in coding exon 4 of the ALPK2 gene, results from a C to T substitution at nucleotide position 5030. The threonine at codon 1677 is replaced by isoleucine, an amino acid with similar properties. This amino acid position is conserved. In addition, this alteration is predicted to be tolerated by in silico analysis. Since supporting evidence is limited at this time, the clinical significance of this alteration remains unclear.